The following is an entry in ClinVar:

NM_001256447.2(BCAP31):c.85C>T (p.Pro29Ser)

Gene: BCAP31 (B cell receptor associated protein 31; minus strand). Cytogenetic location: Xq28.
Variant type: single nucleotide variant.
Coding change: c.85C>T on transcript NM_001256447.2 (MANE Select); coding-DNA position 85, C replaced by T.
Protein change: p.Pro29Ser; replaces proline 29 with serine.
Molecular consequence: missense variant.
Genome position (GRCh38, 1-based): chrX:153,723,160, G>A on the plus strand (C>T on the coding strand, the complement: BCAP31 is on the minus strand). VCF-style: chrX-153723160-G-A. GRCh37 (hg19) VCF-style: chrX-152988615-G-A.
Other names: c.286C>T (NM_001139457.1); c.85C>T, p.Pro29Ser (NM_001139441.1, NM_005745.8); c.286C>T, p.Pro96Ser (NM_001139457.2); short protein forms P29S, P96S.
Identifiers: ClinVar variation 1423982 (VCV001423982.14), dbSNP rs782325268, ClinGen allele CA10549850.

ClinVar aggregate classification (germline): Conflicting classifications of pathogenicity. Review status: criteria provided, conflicting classifications (1 of 4 stars). 4 submissions from 4 submitters: Uncertain significance (1); Likely benign (3). Last evaluated 2026-07-07.

Conditions:
BCAP31-related disorder. Also called: BCAP31-related condition.
Inborn genetic diseases. Identifiers: MedGen C0950123, MeSH D030342.

Allele frequency attached by ClinVar (database versions not stated): gnomAD exomes 0.00001 and 0.00007; gnomAD 0.00002; ExAC 0.00006; TOPMed 0.00009.

Submissions (4):

PreventionGenetics, part of Exact Sciences
Classification: Likely benign for BCAP31-related condition. Last evaluated: 2026-07-07. Review status: criteria provided, single submitter. Criteria: ACMG Guidelines, 2015. Collection method: clinical testing. Allele origin: germline.
Comment: This variant is classified as likely benign based on ACMG/AMP sequence variant interpretation guidelines (Richards et al. 2015 PMID: 25741868, with internal and published modifications).

CeGaT Center for Human Genetics Tuebingen
Classification: Likely benign. Last evaluated: 2026-03-01. Review status: criteria provided, single submitter. Criteria: CeGaT Center For Human Genetics Tuebingen Variant Classification Criteria Version 2. Collection method: clinical testing. Allele origin: germline. Affected: yes. Observed: 1 variant allele.
Comment: BCAP31: BS2

Labcorp Genetics (formerly Invitae), Labcorp
Classification: Uncertain significance. Last evaluated: 2024-12-15. Review status: criteria provided, single submitter. Criteria: Invitae Variant Classification Sherloc (09022015). Collection method: clinical testing. Allele origin: germline.
Comment: This sequence change replaces proline, which is neutral and non-polar, with serine, which is neutral and polar, at codon 29 of the BCAP31 protein (p.Pro29Ser). This variant is present in population databases (rs782325268, gnomAD 0.05%), and has an allele count higher than expected for a pathogenic variant. This variant has not been reported in the literature in individuals affected with BCAP31-related conditions. ClinVar contains an entry for this variant (Variation ID: 1423982). An algorithm developed to predict the effect of missense changes on protein structure and function (PolyPhen-2) suggests that this variant is likely to be tolerated. In summary, the available evidence is currently insufficient to determine the role of this variant in disease. Therefore, it has been classified as a Variant of Uncertain Significance.

Ambry Genetics
Classification: Likely benign for Inborn genetic diseases. Last evaluated: 2023-08-28. Review status: criteria provided, single submitter. Criteria: Ambry Variant Classification Scheme 2023. Collection method: clinical testing. Allele origin: germline.